The following is an entry in ClinVar:

NM_030930.4(UNC93B1):c.1345_1363+52del

Gene: UNC93B1 (unc-93B1 regulator of TLR signaling; minus strand). Cytogenetic location: 11q13.2.
Variant type: Deletion.
Coding change: c.1345_1363+52del on transcript NM_030930.4 (MANE Select); coding-DNA position 1345 through 52 bases into the intron after coding-DNA position 1363, 71 bases deleted.
Molecular consequence: splice donor variant.
Genome position (GRCh38, 1-based): chr11:67,995,559-67,995,629, 71 bases deleted. GRCh37 (hg19): chr11:67,763,030-67,763,100.
Identifiers: ClinVar variation 2705350 (VCV002705350.3), dbSNP rs2495478605, ClinGen allele CA2614676604.

ClinVar aggregate classification (germline): Likely pathogenic (1 of 4 stars; one submission).

Conditions:
Encephalopathy, acute, infection-induced (herpes-specific), susceptibility to, 1. Also called: Herpes simplex encephalitis, susceptibility to, 1. Identifiers: Orphanet 1930, MedGen C2750180, MONDO:0024563, OMIM 610551.

Submission:

Labcorp Genetics (formerly Invitae), Labcorp
Classification: Likely pathogenic for Encephalopathy, acute, infection-induced (herpes-specific), susceptibility to, 1. Last evaluated: 2023-12-25. Review status: criteria provided, single submitter. Criteria: Invitae Variant Classification Sherloc (09022015). Collection method: clinical testing. Allele origin: germline.
Comment: This variant results in the deletion of part of exon 9 (c.1345_1363+52del) of the UNC93B1 gene. It is expected to disrupt RNA splicing. Variants that disrupt the donor or acceptor splice site typically lead to a loss of protein function (PMID: 16199547), and loss-of-function variants in UNC93B1 are known to be pathogenic (PMID: 16973841). The frequency data for this variant in the population databases is considered unreliable, as metrics indicate insufficient coverage at this position in the gnomAD database. This variant has not been reported in the literature in individuals affected with UNC93B1-related conditions. In summary, the currently available evidence indicates that the variant is pathogenic, but additional data are needed to prove that conclusively. Therefore, this variant has been classified as Likely Pathogenic.

Literature cited by the submitters: PubMed 16199547; PubMed 16973841.